The following is an entry in ClinVar:

ClinVar aggregate classification (germline): Uncertain significance (1 of 4 stars; one submission).

Conditions:
Inborn genetic diseases. Identifiers: MedGen C0950123, MeSH D030342.

Submission:

Ambry Genetics
Classification: Uncertain significance for Inborn genetic diseases. Last evaluated: 2022-03-23. Review status: criteria provided, single submitter. Criteria: Ambry Variant Classification Scheme 2023. Collection method: clinical testing. Allele origin: germline.
Comment: The c.1051_1053delTCC (p.S351del) alteration is located in exon 12 (coding exon 10) of the ITPR1 gene. This alteration consists of an in-frame deletion of 3 nucleotides between nucleotide positions c.1051 and c.1053, resulting in the deletion of <NA> residues. Based on insufficient or conflicting evidence, the clinical significance of this alteration remains unclear.

NM_001378452.1(ITPR1):c.1093TCC[1] (p.Ser366del)

Gene: ITPR1 (inositol 1,4,5-trisphosphate receptor type 1; plus strand). Cytogenetic location: 3p26.1.
Variant type: Microsatellite.
Coding change: c.1093TCC[1] on transcript NM_001378452.1 (MANE Select); one copy of the 3-base unit TCC starting at c.1093; the reference has two copies in a row; one copy, 3 bases deleted.
Protein change: p.Ser366del; deletes serine 366.
Molecular consequence: inframe deletion.
Genome position (GRCh38, 1-based): chr3:4,658,223-4,658,225, TCC deleted; deleting any 3 consecutive bases within chr3:4,658,219-4,658,225 gives the same sequence; the position shown is the placement nearest the transcript's 3' end. VCF-style (leftmost placement, unchanged base first): chr3-4658218-TCTC-T. GRCh37 (hg19) VCF-style: chr3-4699902-TCTC-T.
Other names: c.1093TCC[1], p.Ser366del (NM_001099952.4); c.1048TCC[1], p.Ser351del (NM_001168272.2, NM_002222.7); short protein forms S351del, S366del.
Identifiers: ClinVar variation 2274956 (VCV002274956.2), dbSNP rs746446105, ClinGen allele CA2231093.
Genomic context (GRCh38, chr3:4,658,218, plus strand): 5'-TGCGGAATGCCCAAGAAAAGATGGTATACTCCCTGGTCTCTGTGCCTGAAGGCAATGACA[TCTC>T]CTCCATTTTCGAGCTAGATCCCACCACTCTGCGTGGAGGTGACAGCCTTGTCCCAAGGTA-3'